The following is an entry in ClinVar:

ClinVar aggregate classification (germline): Pathogenic (1 of 4 stars; one submission).

Conditions:
Reduced sperm motility. Also called: asthenozoospermia. Identifiers: MedGen C4082176, HP:0012207.
Abnormal sperm morphology. Also called: Teratozoospermia. Identifiers: MedGen C0403824, HP:0012864.

Submission:

Clinical Bioinformatic Lab, Royan Institute
Classification: Pathogenic for Abnormal sperm morphology; Reduced sperm motility. Last evaluated: 2018-04-23. Review status: criteria provided, single submitter. Criteria: ACMG Guidelines, 2015. Collection method: clinical testing. Allele origin: inherited. Inheritance: Autosomal recessive inheritance. Affected: yes. Observed: 1 variant allele, 1 homozygote.
Comment: The ADCY10 gene codes for the soluble Adenylate Cylase (sAC) which has been shown in mice to be imperative for normal sperm motility (Esposito 2004, PNAS) by providing cAMP for Protein Kinase A (PKA) (Ickowicz, 2012,aja).

Literature cited by the submitters: PubMed 31119281.

NM_018417.6(ADCY10):c.1205_1206del (p.His402fs)

Genes: ADCY10 (adenylate cyclase 10; minus strand), DCAF6 (DDB1 and CUL4 associated factor 6; plus strand). Cytogenetic location: 1q24.2.
Variant type: Microsatellite.
Coding change: c.1205_1206del on transcript NM_018417.6 (MANE Select); coding-DNA positions 1205 to 1206, 2 bases deleted (AC; older notation c.1205_1206delAC).
Protein change: p.His402fs; shifts the reading frame from histidine 402.
Molecular consequence: frameshift variant.
Genome position (GRCh38, 1-based): chr1:167,880,125-167,880,126, GT deleted on the plus strand (AC on the coding strand, the reverse complement: ADCY10 is on the minus strand); deleting any 2 consecutive bases within chr1:167,880,125-167,880,128 gives the same sequence; the c. name uses the placement nearest the transcript's 3' end. VCF-style (leftmost placement, unchanged base first): chr1-167880124-CGT-C. GRCh37 (hg19) VCF-style: chr1-167849362-CGT-C.
Other names: c.746_747del, p.His249fs (NM_001167749.3); c.929_930del, p.His310fs (NM_001297772.2); short protein forms H402fs, H249fs, H310fs.
Identifiers: ClinVar variation 544683 (VCV000544683.3), dbSNP rs779944215, ClinGen allele CA1228032.
Genomic context (GRCh38, chr1:167,880,124, plus strand): 5'-AAGGTGCTGTGTTTGCAGAAAGAAAGCTGGAGATGAGCTGACCCAGCACACCTGTGTACT[CGT>C]GTCTCACAGTGTGTCCAACGATCCCACAGAAGACAATCCCACTGGCAACACCGATGGATA-3'